The following is an entry in ClinVar:

NM_003737.4(DCHS1):c.9155G>A (p.Arg3052His)

Genes: DCHS1 (dachsous cadherin-related 1; minus strand), LOC130005209 (ATAC-STARR-seq lymphoblastoid active region 4351; plus strand). Cytogenetic location: 11p15.4.
Variant type: single nucleotide variant.
Coding change: c.9155G>A on transcript NM_003737.4 (MANE Select); coding-DNA position 9155, G replaced by A.
Protein change: p.Arg3052His; replaces arginine 3052 with histidine.
Molecular consequence: missense variant.
Genome position (GRCh38, 1-based): chr11:6,622,521, C>T on the plus strand (G>A on the coding strand, the complement: DCHS1 is on the minus strand). VCF-style: chr11-6622521-C-T. GRCh37 (hg19) VCF-style: chr11-6643752-C-T.
Other names: short protein forms R3052H.
Identifiers: ClinVar variation 2054591 (VCV002054591.5), dbSNP rs774132532, ClinGen allele CA5859302.
Genomic context (GRCh38, chr11:6,622,521, plus strand): 5'-TCCTGCTGGATGCCTGAGTCAGGGCCACGGGCAGCCAGAGAGGAGGCCACACTGGCCACA[C>T]GGGGGAACTCATTGATCATGCGGATCTCATCATCCTCTGCAGCCTCTGCTGATCCTCGGC-3'
Protein context (NP_003728.1, residues 3042-3062): DEIRMINEFP[Arg3052His]VASVASSLAA

ClinVar aggregate classification (germline): Uncertain significance. Review status: criteria provided, multiple submitters, no conflicts (2 of 4 stars). 2 submissions from 2 submitters: Uncertain significance (2). Last evaluated 2022-07-19.

Conditions:
Inborn genetic diseases. Identifiers: MedGen C0950123, MeSH D030342.

Allele frequency attached by ClinVar (database versions not stated): gnomAD 0.00001; ExAC 0.00016; TOPMed 0.00002.

Submissions (2):

Ambry Genetics
Classification: Uncertain significance for Inborn genetic diseases. Last evaluated: 2022-07-19. Review status: criteria provided, single submitter. Criteria: Ambry Variant Classification Scheme 2023. Collection method: clinical testing. Allele origin: germline.

Labcorp Genetics (formerly Invitae), Labcorp
Classification: Uncertain significance. Last evaluated: 2022-05-19. Review status: criteria provided, single submitter. Criteria: Invitae Variant Classification Sherloc (09022015). Collection method: clinical testing. Allele origin: germline.
Comment: In summary, the available evidence is currently insufficient to determine the role of this variant in disease. Therefore, it has been classified as a Variant of Uncertain Significance. Advanced modeling of protein sequence and biophysical properties (such as structural, functional, and spatial information, amino acid conservation, physicochemical variation, residue mobility, and thermodynamic stability) performed at Invitae indicates that this missense variant is not expected to disrupt DCHS1 protein function. This variant has not been reported in the literature in individuals affected with DCHS1-related conditions. This variant is present in population databases (rs774132532, gnomAD 0.05%). This sequence change replaces arginine, which is basic and polar, with histidine, which is basic and polar, at codon 3052 of the DCHS1 protein (p.Arg3052His).